The following is an entry in ClinVar:

ClinVar aggregate classification (germline): Uncertain significance (1 of 4 stars; one submission).

Conditions:
Cardiomyopathy, dilated, 2G. Identifiers: MedGen C5676995, MONDO:0030887, OMIM 619897.

Submission:

Juno Genomics, Hangzhou Juno Genomics, Inc
Classification: Uncertain significance for Cardiomyopathy, dilated, 2G. Review status: criteria provided, single submitter. Criteria: ACMG Guidelines, 2015. Collection method: clinical testing. Allele origin: germline.
Comment: Absent from controls (or at extremely low frequency if recessive) in Genome Aggregation Database.;Multiple lines of computational evidence support a deleterious effect on the gene or gene product.

NM_207163.3(LMOD2):c.1056G>A (p.Met352Ile)

Gene: LMOD2 (leiomodin 2; plus strand). Cytogenetic location: 7q31.32.
Variant type: single nucleotide variant.
Coding change: c.1056G>A on transcript NM_207163.3 (MANE Select); coding-DNA position 1056, G replaced by A.
Protein change: p.Met352Ile; replaces methionine 352 with isoleucine.
Molecular consequence: missense variant.
Genome position (GRCh38, 1-based): chr7:123,662,642, G>A. VCF-style: chr7-123662642-G-A. GRCh37 (hg19) VCF-style: chr7-123302696-G-A.
Other names: short protein forms M352I.
Identifiers: ClinVar variation 5007152 (VCV005007152.2).
Genomic context (GRCh38, chr7:123,662,642, plus strand): 5'-ATACCATTTTGAACTCCCAGGACCAAGAATGAGCATGACGAGCATTTTGACAAGAAATAT[G>A]GATAAACAGAGGCAAAAACGTTTGCAGGAGCAAAAACAGCAGGAGGGATACGATGGAGGA-3'
Protein context (NP_997046.1, residues 342-362): MSMTSILTRN[Met352Ile]DKQRQKRLQE